The following is an entry in ClinVar:

NM_001004356.3(FGFRL1):c.589G>A (p.Ala197Thr)

Gene: FGFRL1 (fibroblast growth factor receptor like 1; plus strand). Cytogenetic location: 4p16.3.
Variant type: single nucleotide variant.
Coding change: c.589G>A on transcript NM_001004356.3 (MANE Select); coding-DNA position 589, G replaced by A.
Protein change: p.Ala197Thr; replaces alanine 197 with threonine.
Molecular consequence: missense variant.
Genome position (GRCh38, 1-based): chr4:1,023,972, G>A. VCF-style: chr4-1023972-G-A. GRCh37 (hg19) VCF-style: chr4-1017760-G-A.
Other names: c.589G>A, p.Ala197Thr (NM_001004358.1, NM_001370296.1, NM_021923.3); short protein forms A197T.
Identifiers: ClinVar variation 2158710 (VCV002158710.4), dbSNP rs768990087, ClinGen allele CA2802776.

ClinVar aggregate classification (germline): Uncertain significance (1 of 4 stars; one submission).

Submission:

Labcorp Genetics (formerly Invitae), Labcorp
Classification: Uncertain significance. Last evaluated: 2024-05-06. Review status: criteria provided, single submitter. Criteria: Invitae Variant Classification Sherloc (09022015). Collection method: clinical testing. Allele origin: germline.
Comment: This sequence change replaces alanine, which is neutral and non-polar, with threonine, which is neutral and polar, at codon 197 of the FGFRL1 protein (p.Ala197Thr). The frequency data for this variant in the population databases is considered unreliable, as metrics indicate poor data quality at this position in the gnomAD database. This variant has not been reported in the literature in individuals affected with FGFRL1-related conditions. ClinVar contains an entry for this variant (Variation ID: 2158710). An algorithm developed to predict the effect of missense changes on protein structure and function (PolyPhen-2) suggests that this variant is likely to be tolerated. In summary, the available evidence is currently insufficient to determine the role of this variant in disease. Therefore, it has been classified as a Variant of Uncertain Significance.